The following is an entry in ClinVar:

ClinVar aggregate classification (germline): Uncertain significance (1 of 4 stars; one submission).

Allele frequency attached by ClinVar (database versions not stated): gnomAD exomes below 0.00001.
gnomAD v4.1: 1 of 1,614,044 alleles (0.000062%); highest among the groups gnomAD compares: African/African-American, 0.0013%; no homozygotes.

Submission:

Ambry Genetics
Classification: Uncertain significance. Last evaluated: 2022-02-26. Review status: criteria provided, single submitter. Criteria: Ambry Variant Classification Scheme 2023. Collection method: clinical testing. Allele origin: germline.
Comment: The p.Q233R variant (also known as c.698A>G), located in coding exon 8 of the BUB1 gene, results from an A to G substitution at nucleotide position 698. The glutamine at codon 233 is replaced by arginine, an amino acid with highly similar properties. This amino acid position is conserved. In addition, this alteration is predicted to be tolerated by in silico analysis. Since supporting evidence is limited at this time, the clinical significance of this alteration remains unclear.

NM_004336.5(BUB1):c.698A>G (p.Gln233Arg)

Gene: BUB1 (BUB1 mitotic checkpoint serine/threonine kinase; minus strand). Cytogenetic location: 2q13.
Variant type: single nucleotide variant.
Coding change: c.698A>G on transcript NM_004336.5 (MANE Select); coding-DNA position 698, A replaced by G.
Protein change: p.Gln233Arg; replaces glutamine 233 with arginine.
Molecular consequence: missense variant.
Genome position (GRCh38, 1-based): chr2:110,667,628, T>C on the plus strand (A>G on the coding strand, the complement: BUB1 is on the minus strand). VCF-style: chr2-110667628-T-C. GRCh37 (hg19) VCF-style: chr2-111425205-T-C.
Other names: c.638A>G, p.Gln213Arg (NM_001278616.2); c.698A>G, p.Gln233Arg (NM_001278617.2); short protein forms Q233R, Q213R.
Identifiers: ClinVar variation 1756453 (VCV001756453.2), dbSNP rs2468028289, ClinGen allele CA348217811.